The following is an entry in ClinVar:

ClinVar aggregate classification (germline): Uncertain significance. Review status: criteria provided, multiple submitters, no conflicts (2 of 4 stars). 3 submissions from 3 submitters: Uncertain significance (3). Last evaluated 2025-07-10.

Conditions:
BEST1-related dominant retinopathy. Identifiers: MedGen CN375913, MONDO:0700238.
Inborn genetic diseases. Identifiers: MedGen C0950123, MeSH D030342.

gnomAD v4.1: 4 of 1,614,158 alleles (0.00025%); highest among the groups gnomAD compares: Non-Finnish European, 0.00034%; no homozygotes.

Submissions (3):

Dasa
Classification: Uncertain significance for BEST1-related dominant retinopathy. Last evaluated: 2025-07-10. Review status: criteria provided, single submitter. Criteria: DASA Assertion Criteria. Collection method: clinical testing. Allele origin: germline.
Comment: NM_004183.4(BEST1):c.1421C>T (p.Pro474Leu) is a missense variant that results in the substitution of proline with leucine. This variant is rare in population databases. The currently available literature and clinical evidence are not sufficient to establish a definitive association between this variant and the reported condition. Therefore, this variant is classified as a variant of uncertain significance.

Ambry Genetics
Classification: Uncertain significance for Inborn genetic diseases. Last evaluated: 2025-04-01. Review status: criteria provided, single submitter. Criteria: Ambry Variant Classification Scheme 2023. Collection method: clinical testing. Allele origin: germline.

Labcorp Genetics (formerly Invitae), Labcorp
Classification: Uncertain significance. Last evaluated: 2022-06-27. Review status: criteria provided, single submitter. Criteria: Invitae Variant Classification Sherloc (09022015). Collection method: clinical testing. Allele origin: germline.
Comment: This sequence change replaces proline, which is neutral and non-polar, with leucine, which is neutral and non-polar, at codon 474 of the BEST1 protein (p.Pro474Leu). In summary, the available evidence is currently insufficient to determine the role of this variant in disease. Therefore, it has been classified as a Variant of Uncertain Significance. Advanced modeling of protein sequence and biophysical properties (such as structural, functional, and spatial information, amino acid conservation, physicochemical variation, residue mobility, and thermodynamic stability) performed at Invitae indicates that this missense variant is not expected to disrupt BEST1 protein function. This variant has not been reported in the literature in individuals affected with BEST1-related conditions. This variant is not present in population databases (gnomAD no frequency).

NM_004183.4(BEST1):c.1421C>T (p.Pro474Leu)

Gene: BEST1 (bestrophin 1; plus strand). Cytogenetic location: 11q12.3.
Variant type: single nucleotide variant.
Coding change: c.1421C>T on transcript NM_004183.4 (MANE Select); coding-DNA position 1421, C replaced by T.
Protein change: p.Pro474Leu; replaces proline 474 with leucine.
Molecular consequence: missense variant. On other transcripts: non-coding transcript variant (1).
Genome position (GRCh38, 1-based): chr11:61,962,575, C>T. VCF-style: chr11-61962575-C-T. GRCh37 (hg19) VCF-style: chr11-61730047-C-T.
Other names: c.1241C>T, p.Pro414Leu (NM_001139443.3, NM_001300787.2); c.1160C>T, p.Pro387Leu (NM_001300786.2); c.1103C>T, p.Pro368Leu (NM_001363591.3); c.*316C>T (NM_001363592.2); c.449C>T, p.Pro150Leu (NM_001363593.3); short protein forms P414L, P150L, P368L, P387L, P474L.
Identifiers: ClinVar variation 1363153 (VCV001363153.11), dbSNP rs1162446542, ClinGen allele CA380848907.